The following is an entry in ClinVar:

ClinVar aggregate classification (germline): Pathogenic (1 of 4 stars; one submission).

Submission:

Labcorp Genetics (formerly Invitae), Labcorp
Classification: Pathogenic. Last evaluated: 2022-07-21. Review status: criteria provided, single submitter. Criteria: Invitae Variant Classification Sherloc (09022015). Collection method: clinical testing. Allele origin: germline.
Comment: This variant is a gross deletion of the genomic region encompassing exon(s) 2 of the TUBGCP6 gene. This deletion is out-of-frame, and is expected to create a premature termination codon and result in an absent or disrupted protein product. Loss-of-function variants in TUBGCP6 are known to be pathogenic (PMID: 25344692). This variant has not been reported in the literature in individuals affected with TUBGCP6-related conditions. For these reasons, this variant has been classified as Pathogenic.

Literature cited by the submitters: PubMed 25344692.

NC_000022.10:g.(?_50678613)_(50678816_?)del

Gene: TUBGCP6 (tubulin gamma complex component 6; minus strand). Cytogenetic location: 22q13.33.
Variant type: Deletion.
Identifiers: ClinVar variation 2426559 (VCV002426559.4).